The following is an entry in ClinVar:

ClinVar aggregate classification (germline): Conflicting classifications of pathogenicity. Review status: criteria provided, conflicting classifications (1 of 4 stars). 2 submissions from 2 submitters: Uncertain significance (1); Likely benign (1). Last evaluated 2023-03-23.

Conditions:
Hereditary cancer-predisposing syndrome. Also called: Neoplastic Syndromes, Hereditary; Tumor predisposition; Hereditary neoplastic syndrome; Hereditary Cancer Syndrome. Identifiers: Orphanet 140162, MedGen C0027672, MeSH D009386, MONDO:0015356.

Submissions (2):

University of Washington Department of Laboratory Medicine, University of Washington
Classification: Likely benign for Hereditary cancer-predisposing syndrome. Last evaluated: 2023-03-23. Review status: criteria provided, single submitter. Criteria: Dines et al. (Genet Med. 2020). Collection method: curation. Allele origin: germline.
Comment: Missense variant in a coldspot region where missense variants are very unlikely to be pathogenic (PMID:31911673).

BRCA2 exon 11 coldspot. Reclassification based on statistical prior probability.

Women's Health and Genetics/Laboratory Corporation of America, LabCorp
Classification: Uncertain significance. Last evaluated: 2022-10-17. Review status: criteria provided, single submitter. Criteria: LabCorp Variant Classification Summary - May 2015. Collection method: clinical testing. Allele origin: germline.
Comment: Variant summary: BRCA2 c.2131T>C (p.Cys711Arg) results in a non-conservative amino acid change in the encoded protein sequence. Three of four in-silico tools predict a benign effect of the variant on protein function. The variant was absent in 251022 control chromosomes. The available data on variant occurrences in the general population are insufficient to allow any conclusion about variant significance. To our knowledge, no occurrence of c.2131T>C in individuals affected with Hereditary Breast And Ovarian Cancer Syndrome and no experimental evidence demonstrating its impact on protein function have been reported. No clinical diagnostic laboratories have submitted clinical-significance assessments for this variant to ClinVar after 2014. Based on the evidence outlined above, the variant was classified as uncertain significance.

NM_000059.4(BRCA2):c.2131T>C (p.Cys711Arg)

Gene: BRCA2 (BRCA2 DNA repair associated; plus strand). Cytogenetic location: 13q13.1.
Variant type: single nucleotide variant.
Coding change: c.2131T>C on transcript NM_000059.4 (MANE Select); coding-DNA position 2131, T replaced by C.
Protein change: p.Cys711Arg; replaces cysteine 711 with arginine.
Molecular consequence: missense variant.
Genome position (GRCh38, 1-based): chr13:32,336,486, T>C. VCF-style: chr13-32336486-T-C. GRCh37 (hg19) VCF-style: chr13-32910623-T-C.
Other names: c.2131T>C, p.Cys711Arg (NM_001406719.1, NM_001406720.1); short protein forms C711R.
Identifiers: ClinVar variation 1723326 (VCV001723326.3), dbSNP rs2137483563, ClinGen allele CA387770078.